The following is an entry in ClinVar:

NC_000013.11:g.32316508_32316510delinsATCGATCGAT

Gene: BRCA2 (BRCA2 DNA repair associated; plus strand). Cytogenetic location: 13q13.1.
Variant type: Indel.
Genome position: GRCh38 VCF-style: chr13-32316508-GAC-ATCGATCGAT. GRCh37 (hg19) VCF-style: chr13-32890645-GAC-ATCGATCGAT.
Other names: 276del3ins10; c.48_50delinsATCGATCGAT, p.Thr17fs (LRG_293t1).
Identifiers: ClinVar variation 266834 (VCV000266834.5), dbSNP rs483353081, ClinGen allele CA10589001.
Genomic context (GRCh38, chr13:32,316,508, plus strand): 5'-ATCGTAGGTAAAAATGCCTATTGGATCCAAAGAGAGGCCAACATTTTTTGAAATTTTTAA[GAC>ATCGATCGAT]ACGCTGCAACAAAGCAGGTATTGACAAATTTTATATAACTTTATAAATTACACCGAGAAA-3'

ClinVar aggregate classification (germline): Pathogenic. Review status: reviewed by expert panel (3 of 4 stars). 2 submissions from 2 submitters: Pathogenic (1). 1 of the submissions does not count toward it. Last evaluated 2016-10-18.

Conditions:
Breast-ovarian cancer, familial, susceptibility to, 2 (BROVCA2). Also called: BRCA2 Hereditary Breast and Ovarian Cancer. Identifiers: Orphanet 145, MedGen C2675520, MONDO:0012933, OMIM 612555. Disease mechanism: loss of function.

Submissions (2):

Evidence-based Network for the Interpretation of Germline Mutant Alleles (ENIGMA)
Classification: Pathogenic for Breast-ovarian cancer, familial, susceptibility to, 2. Last evaluated: 2016-10-18. Review status: reviewed by expert panel. Criteria: ENIGMA BRCA1/2 Classification Criteria (2015). Collection method: curation. Allele origin: germline.
Comment: Variant allele predicted to encode a truncated non-functional protein.

Consortium of Investigators of Modifiers of BRCA1/2 (CIMBA), c/o University of Cambridge
Classification: Pathogenic for Breast-ovarian cancer, familial, susceptibility to, 2. Last evaluated: 2015-10-02. Review status: criteria provided, single submitter. Criteria: CIMBA Mutation Classification guidelines May 2016. Collection method: clinical testing. Allele origin: germline. Not counted in ClinVar's aggregate classification.